The following is an entry in ClinVar:

NM_000038.6(APC):c.7843A>G (p.Ile2615Val)

Gene: APC (APC regulator of Wnt signaling pathway; plus strand). Cytogenetic location: 5q22.2.
Variant type: single nucleotide variant.
Coding change: c.7843A>G on transcript NM_000038.6 (MANE Select); coding-DNA position 7843, A replaced by G.
Protein change: p.Ile2615Val; replaces isoleucine 2615 with valine.
Molecular consequence: missense variant.
Genome position (GRCh38, 1-based): chr5:112,843,437, A>G. VCF-style: chr5-112843437-A-G. GRCh37 (hg19) VCF-style: chr5-112179134-A-G.
Other names: c.7843A>G, p.Ile2615Val (NM_001127510.3, NM_001354895.2); c.7789A>G, p.Ile2597Val (NM_001127511.3); c.7897A>G, p.Ile2633Val (NM_001354896.2); c.7873A>G, p.Ile2625Val (NM_001354897.2); c.7768A>G, p.Ile2590Val (NM_001354898.2); c.7759A>G, p.Ile2587Val (NM_001354899.2); c.7720A>G, p.Ile2574Val (NM_001354900.2); c.7666A>G, p.Ile2556Val (NM_001354901.2); and 5 more; short protein forms I2597V, I2615V, I2514V, I2633V, I2524V, I2556V, I2574V, I2587V.
Identifiers: ClinVar variation 216180 (VCV000216180.14), dbSNP rs863224550, ClinGen allele CA336774.
Genomic context (GRCh38, chr5:112,843,437, plus strand): 5'-ATTTCAGGAACCAAACAAAGTAAAGAAAACCAAGTATCCGCAAAAGGAACATGGAGAAAA[A>G]TAAAAGAAAATGAATTTTCTCCCACAAATAGTACTTCTCAGACCGTTTCCTCAGGTGCTA-3'
Protein context (NP_000029.2, residues 2605-2625): QVSAKGTWRK[Ile2615Val]KENEFSPTNS

ClinVar aggregate classification (germline): Uncertain significance. Review status: criteria provided, multiple submitters, no conflicts (2 of 4 stars). 3 submissions from 3 submitters: Uncertain significance (3). Last evaluated 2025-06-23.

Conditions:
Hereditary cancer-predisposing syndrome. Also called: Hereditary Cancer Syndrome; Hereditary neoplastic syndrome; Neoplastic Syndromes, Hereditary; Tumor predisposition. Identifiers: Orphanet 140162, MedGen C0027672, MeSH D009386, MONDO:0015356.
Familial adenomatous polyposis 1 (FAP1). Also called: FAMILIAL ADENOMATOUS POLYPOSIS 1, ATTENUATED; POLYPOSIS, ADENOMATOUS INTESTINAL. Identifiers: MedGen C2713442, MONDO:0021056, OMIM 175100. Disease mechanism: loss of function.

Submissions (3):

Color Diagnostics, LLC DBA Color Health
Classification: Uncertain significance for Hereditary cancer-predisposing syndrome. Last evaluated: 2025-06-23. Review status: criteria provided, single submitter. Criteria: ACMG Guidelines, 2015. Collection method: clinical testing. Allele origin: germline.
Comment: This missense variant replaces isoleucine with valine at codon 2615 of the APC protein. Computational prediction suggests that this variant may not impact protein structure and function. To our knowledge, functional studies have not been reported for this variant. This variant has not been reported in individuals affected with APC-related disorders in the literature. This variant has not been identified in the general population by the Genome Aggregation Database (gnomAD). The available evidence is insufficient to determine the role of this variant in disease conclusively. Therefore, this variant is classified as a Variant of Uncertain Significance.

Ambry Genetics
Classification: Uncertain significance for Hereditary cancer-predisposing syndrome. Last evaluated: 2024-09-09. Review status: criteria provided, single submitter. Criteria: Ambry Variant Classification Scheme 2023. Collection method: clinical testing. Allele origin: germline.
Comment: The p.I2615V variant (also known as c.7843A>G), located in coding exon 15 of the APC gene, results from an A to G substitution at nucleotide position 7843. The isoleucine at codon 2615 is replaced by valine, an amino acid with highly similar properties. This amino acid position is well conserved in available vertebrate species. In addition, in silico predictors for this gene do not accurately predict pathogenicity. Missense alterations in APC are not a common cause of disease (Spier I et al. Genet Med. 2024 Feb;26(2):100992). Based on the available evidence, the clinical significance of this variant remains unclear.

Labcorp Genetics (formerly Invitae), Labcorp
Classification: Uncertain significance for Familial adenomatous polyposis 1. Last evaluated: 2020-07-12. Review status: criteria provided, single submitter. Criteria: Invitae Variant Classification Sherloc (09022015). Collection method: clinical testing. Allele origin: germline.
Comment: In summary, the available evidence is currently insufficient to determine the role of this variant in disease. Therefore, it has been classified as a Variant of Uncertain Significance. Algorithms developed to predict the effect of missense changes on protein structure and function (SIFT, PolyPhen-2, Align-GVGD) all suggest that this variant is likely to be tolerated, but these predictions have not been confirmed by published functional studies and their clinical significance is uncertain. This variant has not been reported in the literature in individuals with APC-related conditions. ClinVar contains an entry for this variant (Variation ID: 216180). This variant is not present in population databases (ExAC no frequency). This sequence change replaces isoleucine with valine at codon 2615 of the APC protein (p.Ile2615Val). The isoleucine residue is highly conserved and there is a small physicochemical difference between isoleucine and valine.